The following is an entry in ClinVar:

NM_032043.3(BRIP1):c.2900A>G (p.Glu967Gly)

Gene: BRIP1 (BRCA1 interacting DNA helicase 1; minus strand). Cytogenetic location: 17q23.2.
Variant type: single nucleotide variant.
Coding change: c.2900A>G on transcript NM_032043.3 (MANE Select); coding-DNA position 2900, A replaced by G.
Protein change: p.Glu967Gly; replaces glutamic acid 967 with glycine.
Molecular consequence: missense variant.
Genome position (GRCh38, 1-based): chr17:61,685,841, T>C on the plus strand (A>G on the coding strand, the complement: BRIP1 is on the minus strand). VCF-style: chr17-61685841-T-C. GRCh37 (hg19) VCF-style: chr17-59763202-T-C.
Other names: short protein forms E967G.
Identifiers: ClinVar variation 483142 (VCV000483142.15), dbSNP rs1176224216, ClinGen allele CA400481115.

ClinVar aggregate classification (germline): Uncertain significance. Review status: criteria provided, multiple submitters, no conflicts (2 of 4 stars). 3 submissions from 3 submitters: Uncertain significance (3). Last evaluated 2025-12-09.

Conditions:
Hereditary cancer-predisposing syndrome. Also called: Hereditary neoplastic syndrome; Neoplastic Syndromes, Hereditary; Tumor predisposition; Hereditary Cancer Syndrome. Identifiers: Orphanet 140162, MedGen C0027672, MeSH D009386, MONDO:0015356.
Fanconi anemia complementation group J. Also called: BRIP1-Related Fanconi Anemia. Identifiers: Orphanet 84, MedGen C1836860, MONDO:0012187, OMIM 609054.
Familial cancer of breast. Also called: BREAST CANCER, FAMILIAL; Hereditary breast cancer; hereditary breast carcinoma. Identifiers: Orphanet 227535, MedGen C0346153, MONDO:0016419, OMIM 114480. Disease mechanism: loss of function.

Allele frequency attached by ClinVar (database versions not stated): gnomAD 0.00001; TOPMed 0.00001.
gnomAD v4.1: 1 of 1,608,238 alleles (0.000062%); highest among the groups gnomAD compares: Non-Finnish European, 0.000085%; no homozygotes.

Submissions (3):

Labcorp Genetics (formerly Invitae), Labcorp
Classification: Uncertain significance for Familial cancer of breast; Fanconi anemia complementation group J. Last evaluated: 2025-12-09. Review status: criteria provided, single submitter. Criteria: Invitae Variant Classification Sherloc (09022015). Collection method: clinical testing. Allele origin: germline.
Comment: This sequence change replaces glutamic acid, which is acidic and polar, with glycine, which is neutral and non-polar, at codon 967 of the BRIP1 protein (p.Glu967Gly). This variant is not present in population databases (gnomAD no frequency). This variant has not been reported in the literature in individuals affected with BRIP1-related conditions. ClinVar contains an entry for this variant (Variation ID: 483142). Invitae Evidence Modeling of protein sequence and biophysical properties (such as structural, functional, and spatial information, amino acid conservation, physicochemical variation, residue mobility, and thermodynamic stability) indicates that this missense variant is not expected to disrupt BRIP1 protein function with a negative predictive value of 95%. RNA analysis performed to evaluate the impact of this missense change on mRNA splicing indicates it does not significantly alter splicing (internal data). In summary, the available evidence is currently insufficient to determine the role of this variant in disease. Therefore, it has been classified as a Variant of Uncertain Significance.

Ambry Genetics
Classification: Uncertain significance for Hereditary cancer-predisposing syndrome. Last evaluated: 2023-08-04. Review status: criteria provided, single submitter. Criteria: Ambry Variant Classification Scheme 2023. Collection method: clinical testing. Allele origin: germline.
Comment: The p.E967G variant (also known as c.2900A>G), located in coding exon 18 of the BRIP1 gene, results from an A to G substitution at nucleotide position 2900. The glutamic acid at codon 967 is replaced by glycine, an amino acid with similar properties. This amino acid position is not well conserved in available vertebrate species. In addition, this alteration is predicted to be tolerated by in silico analysis. Since supporting evidence is limited at this time, the clinical significance of this alteration remains unclear.

Color Diagnostics, LLC DBA Color Health
Classification: Uncertain significance for Hereditary cancer-predisposing syndrome. Last evaluated: 2022-03-22. Review status: criteria provided, single submitter. Criteria: ACMG Guidelines, 2015. Collection method: clinical testing. Allele origin: germline.
Comment: This missense variant replaces glutamic acid with glycine at codon 967 of the BRIP1 protein. Computational prediction suggests that this variant may not impact protein structure and function (internally defined REVEL score threshold <= 0.5, PMID: 27666373). To our knowledge, functional studies have not been reported for this variant. This variant has not been reported in individuals affected with hereditary cancer in the literature. This variant has not been identified in the general population by the Genome Aggregation Database (gnomAD). The available evidence is insufficient to determine the role of this variant in disease conclusively. Therefore, this variant is classified as a Variant of Uncertain Significance.